The following is an entry in ClinVar:

ClinVar aggregate classification (germline): Uncertain significance. Review status: criteria provided, multiple submitters, no conflicts (2 of 4 stars). 2 submissions from 2 submitters: Uncertain significance (2). Last evaluated 2024-08-12.

Conditions:
Inborn genetic diseases. Identifiers: MedGen C0950123, MeSH D030342.
Glycogen storage disease due to muscle and heart glycogen synthase deficiency. Also called: GSD 0b; MUSCLE GLYCOGEN SYNTHASE DEFICIENCY. Identifiers: Orphanet 137625, MedGen C1969054, MONDO:0012693, OMIM 611556.

Allele frequency attached by ClinVar (database versions not stated): gnomAD 0.00001; TOPMed 0.00001.
gnomAD v4.1: 8 of 1,613,352 alleles (0.0005%); highest among the groups gnomAD compares: African/African-American, 0.0013%; no homozygotes.

Submissions (2):

Ambry Genetics
Classification: Uncertain significance for Inborn genetic diseases. Last evaluated: 2024-08-12. Review status: criteria provided, single submitter. Criteria: Ambry Variant Classification Scheme 2023. Collection method: clinical testing. Allele origin: germline.

Labcorp Genetics (formerly Invitae), Labcorp
Classification: Uncertain significance for Glycogen storage disease due to muscle and heart glycogen synthase deficiency. Last evaluated: 2022-04-01. Review status: criteria provided, single submitter. Criteria: Invitae Variant Classification Sherloc (09022015). Collection method: clinical testing. Allele origin: germline.
Comment: This sequence change replaces arginine, which is basic and polar, with histidine, which is basic and polar, at codon 146 of the GYS1 protein (p.Arg146His). In summary, the available evidence is currently insufficient to determine the role of this variant in disease. Therefore, it has been classified as a Variant of Uncertain Significance. Algorithms developed to predict the effect of missense changes on protein structure and function are either unavailable or do not agree on the potential impact of this missense change (SIFT: "Tolerated"; PolyPhen-2: "Possibly Damaging"; Align-GVGD: "Class C0"). This variant has not been reported in the literature in individuals affected with GYS1-related conditions. This variant is present in population databases (no rsID available, gnomAD 0.004%).

NM_002103.5(GYS1):c.437G>A (p.Arg146His)

Gene: GYS1 (glycogen synthase 1; minus strand). Cytogenetic location: 19q13.33.
Variant type: single nucleotide variant.
Coding change: c.437G>A on transcript NM_002103.5 (MANE Select); coding-DNA position 437, G replaced by A.
Protein change: p.Arg146His; replaces arginine 146 with histidine.
Molecular consequence: missense variant. On other transcripts: non-coding transcript variant (1), intron variant (1).
Genome position (GRCh38, 1-based): chr19:48,987,249, C>T on the plus strand (G>A on the coding strand, the complement: GYS1 is on the minus strand). VCF-style: chr19-48987249-C-T. GRCh37 (hg19) VCF-style: chr19-49490506-C-T.
Other names: c.437G>A (NM_002103.4); c.301-1214G>A (NM_001161587.2); short protein forms R146H.
Identifiers: ClinVar variation 2145960 (VCV002145960.5), dbSNP rs954796230, ClinGen allele CA309400377.